The following is an entry in ClinVar:

ClinVar aggregate classification (germline): Pathogenic (1 of 4 stars; one submission).

Conditions:
Primary ciliary dyskinesia. Also called: Ciliary dyskinesia. Identifiers: Orphanet 244, MedGen C0008780, MONDO:0016575, HP:0012265.

Submission:

Labcorp Genetics (formerly Invitae), Labcorp
Classification: Pathogenic for Primary ciliary dyskinesia. Last evaluated: 2023-12-06. Review status: criteria provided, single submitter. Criteria: Invitae Variant Classification Sherloc (09022015). Collection method: clinical testing. Allele origin: unknown.
Comment: This variant is a gross deletion of the genomic region encompassing exon(s) 6 of the CCDC114 gene. This deletion is out-of-frame, and is expected to create a premature termination codon and result in an absent or disrupted protein product. Loss-of-function variants in CCDC114 are known to be pathogenic (PMID: 23261302, 23261303). This variant has not been reported in the literature in individuals affected with CCDC114-related conditions. For these reasons, this variant has been classified as Pathogenic.

Literature cited by the submitters: PubMed 23261302; PubMed 23261303.

NC_000019.9:g.(?_48809493)_(48809600_?)del

Gene: ODAD1 (outer dynein arm docking complex subunit 1; minus strand). Cytogenetic location: 19q13.33.
Variant type: Deletion.
Identifiers: ClinVar variation 3248368 (VCV003248368.1).